The following is an entry in ClinVar:

NM_001165963.4(SCN1A):c.2045G>T (p.Gly682Val)

Gene: SCN1A (sodium voltage-gated channel alpha subunit 1; minus strand). Cytogenetic location: 2q24.3.
Variant type: single nucleotide variant.
Coding change: c.2045G>T on transcript NM_001165963.4 (MANE Select); coding-DNA position 2045, G replaced by T.
Protein change: p.Gly682Val; replaces glycine 682 with valine.
Molecular consequence: missense variant. On other transcripts: 5 prime UTR variant (1), non-coding transcript variant (1).
Genome position (GRCh38, 1-based): chr2:166,042,423, C>A on the plus strand (G>T on the coding strand, the complement: SCN1A is on the minus strand). VCF-style: chr2-166042423-C-A. GRCh37 (hg19) VCF-style: chr2-166898933-C-A.
Other names: c.1961G>T, p.Gly654Val (NM_001165964.3, NM_001353957.2, NM_001353958.2); c.2045G>T, p.Gly682Val (NM_001202435.3, NM_001353948.2); c.2012G>T, p.Gly671Val (NM_001353949.2, NM_001353950.2, NM_001353951.2 and 2 more transcripts); c.2009G>T, p.Gly670Val (NM_001353954.2, NM_001353955.2); c.1958G>T, p.Gly653Val (NM_001353960.2); c.-414G>T (NM_001353961.2); short protein forms G653V, G654V, G670V, G671V, G682V.
Identifiers: ClinVar variation 1327127 (VCV001327127.6), dbSNP rs1697296215, ClinGen allele CA349066188.

ClinVar aggregate classification (germline): Conflicting classifications of pathogenicity. Review status: criteria provided, conflicting classifications (1 of 4 stars). 3 submissions from 3 submitters: Likely pathogenic (1); Uncertain significance (2). Last evaluated 2025-05-08.

Conditions:
Inborn genetic diseases. Identifiers: MedGen C0950123, MeSH D030342.
SUDDEN INFANT DEATH SYNDROME (SIDS). Also called: Sudden Infant Death. Identifiers: MedGen C0038644, MeSH D013398, OMIM 272120.

Allele frequency attached by ClinVar (database versions not stated): gnomAD exomes below 0.00001.
gnomAD v4.1: 6 of 1,613,468 alleles (0.00037%); highest among the groups gnomAD compares: Non-Finnish European, 0.00051%; no homozygotes.

Submissions (3):

GeneDx
Classification: Uncertain significance. Last evaluated: 2025-05-08. Review status: criteria provided, single submitter. Criteria: GeneDx Variant Classification Process June 2021. Collection method: clinical testing. Allele origin: germline. Affected: yes.
Comment: Identified by whole exome sequencing in a proband with sudden infant death syndrome, hippocampal abnormalities, and no history of seizures (PMID: 29601086); Not observed at significant frequency in large population cohorts (gnomAD); Published functional studies suggest the variant causes a partial loss of channel function (PMID: 29601086); In silico analysis supports that this missense variant has a deleterious effect on protein structure/function; This substitution is predicted to be within the cytoplasmic loop between the first and second homologous domains; This variant is associated with the following publications: (PMID: 34722422, 35027292, 29601086)

Robert's Program, Boston Children's Hospital
Classification: Likely pathogenic for SUDDEN INFANT DEATH SYNDROME. Last evaluated: 2021-10-01. Review status: criteria provided, single submitter. Criteria: ACMG Guidelines, 2015. Collection method: research. Allele origin: germline. Affected: yes.
Comment: We classify this variant as pathogenic using the following ACMG/AMP criteria: PS3, PM2

Ambry Genetics
Classification: Uncertain significance for Inborn genetic diseases. Last evaluated: 2019-11-22. Review status: criteria provided, single submitter. Criteria: Ambry Variant Classification Scheme 2023. Collection method: clinical testing. Allele origin: germline.
Comment: The p.G682V variant (also known as c.2045G>T), located in coding exon 12 of the SCN1A gene, results from a G to T substitution at nucleotide position 2045. The glycine at codon 682 is replaced by valine, an amino acid with dissimilar properties. This alteration was detected in an infant who died of sudden infant death syndrome (SIDS) and was found to have focal bilamination of the dentate gyrus. Additionally, authors used functional studies to show that this alteration demonstrated significantly lower current density compared to wild type channels; however, there were no differences in the voltage-dependence of activation or inactivation, recovery from inactivation, or use dependent channel rundown (Brownstein CA et al. Epilepsia, 2018 04;59:e56-e62). This amino acid position is well conserved in available vertebrate species. In addition, the in silico prediction for this alteration is inconclusive. Since supporting evidence is limited at this time, the clinical significance of this alteration remains unclear.

Literature cited by the submitters: PubMed 29601086 (cited by Ambry Genetics).